The following is an entry in ClinVar:

NM_002471.4(MYH6):c.3914G>A (p.Arg1305Gln)

Gene: MYH6 (myosin heavy chain 6; minus strand). Cytogenetic location: 14q11.2.
Variant type: single nucleotide variant.
Coding change: c.3914G>A on transcript NM_002471.4 (MANE Select); coding-DNA position 3914, G replaced by A.
Protein change: p.Arg1305Gln; replaces arginine 1305 with glutamine.
Molecular consequence: missense variant.
Genome position (GRCh38, 1-based): chr14:23,389,457, C>T on the plus strand (G>A on the coding strand, the complement: MYH6 is on the minus strand). VCF-style: chr14-23389457-C-T. GRCh37 (hg19) VCF-style: chr14-23858666-C-T.
Other names: short protein forms R1305Q.
Identifiers: ClinVar variation 1736133 (VCV001736133.9), dbSNP rs1015940787, ClinGen allele CA7115020.

ClinVar aggregate classification (germline): Uncertain significance. Review status: criteria provided, multiple submitters, no conflicts (2 of 4 stars). 3 submissions from 3 submitters: Uncertain significance (3). Last evaluated 2026-04-08.

Conditions:
MYH6-related disorder. Also called: MYH6-Related Disorders; MYH6-related condition.
Hypertrophic cardiomyopathy 14. Identifiers: MedGen C2750467, MONDO:0013197, OMIM 613251.
Cardiovascular phenotype. Identifiers: MedGen CN230736.

Allele frequency attached by ClinVar (database versions not stated): ExAC 0.00004.

Submissions (3):

PreventionGenetics, part of Exact Sciences
Classification: Uncertain significance for MYH6-related condition. Last evaluated: 2026-04-08. Review status: criteria provided, single submitter. Criteria: ACMG Guidelines, 2015. Collection method: clinical testing. Allele origin: germline.
Comment: The MYH6 c.3914G>A variant is predicted to result in the amino acid substitution p.Arg1305Gln. To our knowledge, this variant has not been reported in the literature. This variant is reported in 0.036% of alleles in individuals of South Asian descent in gnomAD. At this time, the clinical significance of this variant is uncertain due to the absence of conclusive functional and genetic evidence.

Ambry Genetics
Classification: Uncertain significance for Cardiovascular phenotype. Last evaluated: 2025-08-20. Review status: criteria provided, single submitter. Criteria: Ambry Variant Classification Scheme 2023. Collection method: clinical testing. Allele origin: germline.

Labcorp Genetics (formerly Invitae), Labcorp
Classification: Uncertain significance for Hypertrophic cardiomyopathy 14. Last evaluated: 2024-11-24. Review status: criteria provided, single submitter. Criteria: Invitae Variant Classification Sherloc (09022015). Collection method: clinical testing. Allele origin: germline.
Comment: This sequence change replaces arginine, which is basic and polar, with glutamine, which is neutral and polar, at codon 1305 of the MYH6 protein (p.Arg1305Gln). This variant is present in population databases (no rsID available, gnomAD 0.04%). This variant has not been reported in the literature in individuals affected with MYH6-related conditions. ClinVar contains an entry for this variant (Variation ID: 1736133). Invitae Evidence Modeling of protein sequence and biophysical properties (such as structural, functional, and spatial information, amino acid conservation, physicochemical variation, residue mobility, and thermodynamic stability) indicates that this missense variant is not expected to disrupt MYH6 protein function with a negative predictive value of 80%. In summary, the available evidence is currently insufficient to determine the role of this variant in disease. Therefore, it has been classified as a Variant of Uncertain Significance.